The following is an entry in ClinVar:

ClinVar aggregate classification (germline): Uncertain significance. Review status: criteria provided, multiple submitters, no conflicts (2 of 4 stars). 3 submissions from 3 submitters: Uncertain significance (3). Last evaluated 2022-06-30.

Conditions:
Inborn genetic diseases. Identifiers: MedGen C0950123, MeSH D030342.
Peroxisome biogenesis disorder 12A (Zellweger). Also called: Peroxisome biogenesis disorder 12A. Identifiers: Orphanet 912, MedGen C3554002, MONDO:0013951, OMIM 614886.

Allele frequency attached by ClinVar (database versions not stated): gnomAD exomes below 0.00001 and 0.00002; gnomAD 0.00003; TOPMed 0.00003.
gnomAD v4.1: 27 of 1,614,074 alleles (0.0017%); highest among the groups gnomAD compares: African/African-American, 0.0027%; no homozygotes.

Submissions (3):

Ambry Genetics
Classification: Uncertain significance for Inborn genetic diseases. Last evaluated: 2022-06-30. Review status: criteria provided, single submitter. Criteria: Ambry Variant Classification Scheme 2023. Collection method: clinical testing. Allele origin: germline.

Labcorp Genetics (formerly Invitae), Labcorp
Classification: Uncertain significance for Peroxisome biogenesis disorder 12A (Zellweger). Last evaluated: 2022-02-21. Review status: criteria provided, single submitter. Criteria: Invitae Variant Classification Sherloc (09022015). Collection method: clinical testing. Allele origin: germline.
Comment: This sequence change replaces serine, which is neutral and polar, with alanine, which is neutral and non-polar, at codon 286 of the PEX19 protein (p.Ser286Ala). This variant is present in population databases (no rsID available, gnomAD 0.002%). This variant has not been reported in the literature in individuals affected with PEX19-related conditions. ClinVar contains an entry for this variant (Variation ID: 597440). Algorithms developed to predict the effect of missense changes on protein structure and function (SIFT, PolyPhen-2, Align-GVGD) all suggest that this variant is likely to be tolerated. In summary, the available evidence is currently insufficient to determine the role of this variant in disease. Therefore, it has been classified as a Variant of Uncertain Significance.

Eurofins Ntd Llc (ga)
Classification: Uncertain significance. Last evaluated: 2018-06-01. Review status: criteria provided, single submitter. Criteria: EGL ClinVar v180209 classification definitions. Collection method: clinical testing. Allele origin: germline. Observed: 1 variant allele, 1 heterozygote.

NM_002857.4(PEX19):c.856T>G (p.Ser286Ala)

Gene: PEX19 (peroxisomal biogenesis factor 19; minus strand). Cytogenetic location: 1q23.2.
Variant type: single nucleotide variant.
Coding change: c.856T>G on transcript NM_002857.4 (MANE Select); coding-DNA position 856, T replaced by G.
Protein change: p.Ser286Ala; replaces serine 286 with alanine.
Molecular consequence: missense variant. On other transcripts: non-coding transcript variant (2), intron variant (1).
Genome position (GRCh38, 1-based): chr1:160,279,595, A>C on the plus strand (T>G on the coding strand, the complement: PEX19 is on the minus strand). VCF-style: chr1-160279595-A-C. GRCh37 (hg19) VCF-style: chr1-160249385-A-C.
Other names: c.817-13T>G (NM_001193644.1); c.856T>G (NM_002857.3); short protein forms S286A.
Identifiers: ClinVar variation 597440 (VCV000597440.11), dbSNP rs1272607089, ClinGen allele CA343255502.
Genomic context (GRCh38, chr1:160,279,595, plus strand): 5'-GAAAACGTGTTGTGTTTCACATGATCAGACACTGTTCACCACTGGCACCTGGTGGGCCCG[A>C]AAGATTGAGGGCATCCAGGTCAAAGTTGAGGCCAGGAGGCTGGGGAAGAGATGAAGGGAC-3'
Protein context (NP_002848.1, residues 276-296): LNFDLDALNL[Ser286Ala]GPPGASGEQC